The following is an entry in ClinVar:

NM_001144967.3(NEDD4L):c.2690G>A (p.Arg897Gln)

Gene: NEDD4L (NEDD4 like E3 ubiquitin protein ligase; plus strand). Cytogenetic location: 18q21.31.
Variant type: single nucleotide variant.
Coding change: c.2690G>A on transcript NM_001144967.3 (MANE Select); coding-DNA position 2690, G replaced by A.
Protein change: p.Arg897Gln; replaces arginine 897 with glutamine.
Molecular consequence: missense variant.
Genome position (GRCh38, 1-based): chr18:58,390,680, G>A. VCF-style: chr18-58390680-G-A. GRCh37 (hg19) VCF-style: chr18-56057912-G-A.
Other names: c.2327G>A, p.Arg776Gln (NM_001144964.1, NM_001144965.2, NM_001144966.3); c.2666G>A, p.Arg889Gln (NM_001144968.2); c.2606G>A, p.Arg869Gln (NM_001144969.2); c.2267G>A, p.Arg756Gln (NM_001144970.3, NM_001144971.2); c.2498G>A, p.Arg833Gln (NM_001243960.2); c.2630G>A, p.Arg877Gln (NM_015277.6); short protein forms R897Q, R756Q, R776Q, R877Q, R889Q, R833Q, R869Q.
Identifiers: ClinVar variation 225190 (VCV000225190.12), dbSNP rs879255596, ClinGen allele CA10576012.

ClinVar aggregate classification (germline): Conflicting classifications of pathogenicity. Review status: criteria provided, conflicting classifications (1 of 4 stars). 6 submissions from 6 submitters: Pathogenic (2); Uncertain significance (1). 3 of the submissions do not count toward it. Last evaluated 2025-06-05.

Conditions:
Periventricular nodular heterotopia 7 (PVNH7). Identifiers: MedGen C4310669, MONDO:0014966, OMIM 617201.
Periventricular nodular heterotopia with syndactyly, cleft palate and developmental delay.
Intellectual disability. Also called: Intellectual functioning disability; Intellectual developmental disorder; intellectual disabilities. Identifiers: MedGen C3714756, MeSH D008607, MONDO:0001071, HP:0001249.

Submissions (6):

GeneDx
Classification: Pathogenic. Last evaluated: 2025-06-05. Review status: criteria provided, single submitter. Criteria: GeneDx Variant Classification Process June 2021. Collection method: clinical testing. Allele origin: germline. Affected: yes.
Comment: Published functional studies demonstrate a damaging effect associated with deregulation of mTORC and AKT activities and affecting neurogenesis, neuronal positioning, and terminal translocation (PMID: 27694961); Not observed at significant frequency in large population cohorts (gnomAD); In silico analysis supports that this missense variant has a deleterious effect on protein structure/function; Also known as R897Q; This variant is associated with the following publications: (PMID: 28515470, 27694961, 36934385, 35599849, 34087865)

Labcorp Genetics (formerly Invitae), Labcorp
Classification: Pathogenic. Last evaluated: 2022-07-14. Review status: criteria provided, single submitter. Criteria: Invitae Variant Classification Sherloc (09022015). Collection method: clinical testing. Allele origin: germline.
Comment: This variant is not present in population databases (gnomAD no frequency). This sequence change replaces arginine, which is basic and polar, with glutamine, which is neutral and polar, at codon 877 of the NEDD4L protein (p.Arg877Gln). This missense change has been observed in individual(s) with periventricular nodular heterotopia (PMID: 27694961). In at least one individual the variant was observed to be de novo. For these reasons, this variant has been classified as Pathogenic. Experimental studies have shown that this missense change affects NEDD4L function (PMID: 27694961). Algorithms developed to predict the effect of missense changes on protein structure and function (SIFT, PolyPhen-2, Align-GVGD) all suggest that this variant is likely to be disruptive. ClinVar contains an entry for this variant (Variation ID: 225190). This variant is also known as c.2690G>A (p.Arg897Gln).

Diagnostic Laboratory, Strasbourg University Hospital
Classification: Uncertain significance for Intellectual disability. Last evaluated: 2020-04-20. Review status: criteria provided, single submitter. Criteria: ACMG Guidelines, 2015. Collection method: clinical testing. Allele origin: unknown. Inheritance: Autosomal dominant inheritance. Affected: yes. Observed: 1 heterozygote.

Molecular Genetics Laboratory, BC Children's and BC Women's Hospitals
Classification: Pathogenic for Periventricular nodular heterotopia 7. Last evaluated: 2018-04-26. Review status: no assertion criteria provided. Criteria: ACMG Guidelines, 2015. Collection method: clinical testing. Allele origin: germline. Affected: yes. Not counted in ClinVar's aggregate classification.

OMIM
Classification: Pathogenic for PERIVENTRICULAR NODULAR HETEROTOPIA 7. Last evaluated: 2016-11-16. Review status: no assertion criteria provided. Collection method: literature only. Allele origin: germline. Not counted in ClinVar's aggregate classification.

Chelly Lab, Institut de Génétique et de Biologie Moléculaire et Cellulaire, Strasbourg University - CNRS UMR 7104 - Inserm U 964
Classification: Pathogenic for Periventricular nodular heterotopia with syndactyly, cleft palate and developmental delay. Last evaluated: 2016-04-02. Review status: no assertion criteria provided. Collection method: research. Allele origin: de novo. Affected: yes. Not counted in ClinVar's aggregate classification.

Literature cited by the submitters: PubMed 27694961 (cited by Labcorp Genetics (formerly Invitae), Labcorp and OMIM).